The following is an entry in ClinVar:

ClinVar aggregate classification (germline): Conflicting classifications of pathogenicity. Review status: criteria provided, conflicting classifications (1 of 4 stars). 5 submissions from 5 submitters: Uncertain significance (1); Benign (1); Likely benign (3). Last evaluated 2026-01-25.

Allele frequency attached by ClinVar (database versions not stated): gnomAD exomes 0.00026; ExAC 0.00033; 1000 Genomes Project 30x 0.00047; 1000 Genomes Project 0.00060; gnomAD 0.00111 and 0.00123; TOPMed 0.00144; ESP Exome Variant Server 0.00169.
gnomAD v4.1: 324 of 1,606,182 alleles (0.02%); highest among the groups gnomAD compares: African/African-American, 0.37%; no homozygotes.

Submissions (5):

Labcorp Genetics (formerly Invitae), Labcorp
Classification: Benign. Last evaluated: 2026-01-25. Review status: criteria provided, single submitter. Criteria: Invitae Variant Classification Sherloc (09022015). Collection method: clinical testing. Allele origin: germline.

Mayo Clinic Laboratories, Mayo Clinic
Classification: Likely benign. Last evaluated: 2024-10-24. Review status: criteria provided, single submitter. Criteria: ACMG Guidelines, 2015. Collection method: clinical testing. Allele origin: germline. Observed: 1 variant allele.
Comment: BS1_supporting, BP4, BP7

Blueprint Genetics
Classification: Likely benign. Last evaluated: 2024-07-08. Review status: criteria provided, single submitter. Criteria: ACMG Guidelines, 2015. Collection method: clinical testing. Allele origin: germline.

GeneDx
Classification: Likely benign. Last evaluated: 2020-07-06. Review status: criteria provided, single submitter. Criteria: GeneDx Variant Classification Process June 2021. Collection method: clinical testing. Allele origin: germline. Affected: yes.

Eurofins Ntd Llc (ga)
Classification: Uncertain significance. Last evaluated: 2017-02-21. Review status: criteria provided, single submitter. Criteria: EGL Classification Definitions 2015. Collection method: clinical testing. Allele origin: germline. Observed: 1 variant allele, 1 heterozygote.

NM_194248.3(OTOF):c.339C>T (p.Cys113=)

Gene: OTOF (otoferlin; minus strand). Cytogenetic location: 2p23.3.
Variant type: single nucleotide variant.
Coding change: c.339C>T on transcript NM_194248.3 (MANE Select); coding-DNA position 339, C replaced by T.
Protein change: p.Cys113=; no amino-acid change (cysteine 113 retained).
Molecular consequence: synonymous variant.
Genome position (GRCh38, 1-based): chr2:26,516,588, G>A on the plus strand (C>T on the coding strand, the complement: OTOF is on the minus strand). VCF-style: chr2-26516588-G-A. GRCh37 (hg19) VCF-style: chr2-26739456-G-A.
Other names: p.Cys113=; c.339C>T, p.Cys113= (NM_001287489.2).
Identifiers: ClinVar variation 500196 (VCV000500196.17), dbSNP rs139098225, ClinGen allele CA1564694.